The following is an entry in ClinVar:

ClinVar aggregate classification (germline): Uncertain significance (1 of 4 stars; one submission).

Conditions:
Ehlers-Danlos syndrome, classic type, 1 (EDSCL1). Also called: EHLERS-DANLOS SYNDROME, GRAVIS TYPE; EHLERS-DANLOS SYNDROME, SEVERE CLASSIC TYPE; Ehlers-Danlos syndrome, type 1; Ehlers-Danlos Syndrome, Classic Type, COL5A1-Related; EDS I. Identifiers: MedGen C0268335, MONDO:0019567, OMIM 130000.

gnomAD v4.1: 1 of 1,613,456 alleles (0.000062%); highest among the groups gnomAD compares: East Asian, 0.0022%; no homozygotes.

Submission:

Labcorp Genetics (formerly Invitae), Labcorp
Classification: Uncertain significance for Ehlers-Danlos syndrome, classic type, 1. Last evaluated: 2025-12-23. Review status: criteria provided, single submitter. Criteria: Invitae Variant Classification Sherloc (09022015). Collection method: clinical testing. Allele origin: germline.
Comment: This sequence change replaces proline, which is neutral and non-polar, with arginine, which is basic and polar, at codon 654 of the COL5A1 protein (p.Pro654Arg). This variant is not present in population databases (gnomAD no frequency). This variant has not been reported in the literature in individuals affected with COL5A1-related conditions. Invitae Evidence Modeling of protein sequence and biophysical properties (such as structural, functional, and spatial information, amino acid conservation, physicochemical variation, residue mobility, and thermodynamic stability) indicates that this missense variant is not expected to disrupt COL5A1 protein function with a negative predictive value of 95%. In summary, the available evidence is currently insufficient to determine the role of this variant in disease. Therefore, it has been classified as a Variant of Uncertain Significance.

NM_000093.5(COL5A1):c.1961C>G (p.Pro654Arg)

Gene: COL5A1 (collagen type V alpha 1 chain; plus strand). Cytogenetic location: 9q34.3.
Variant type: single nucleotide variant.
Coding change: c.1961C>G on transcript NM_000093.5 (MANE Select); coding-DNA position 1961, C replaced by G.
Protein change: p.Pro654Arg; replaces proline 654 with arginine.
Molecular consequence: missense variant.
Genome position (GRCh38, 1-based): chr9:134,761,950, C>G. VCF-style: chr9-134761950-C-G. GRCh37 (hg19) VCF-style: chr9-137653796-C-G.
Other names: c.1961C>G, p.Pro654Arg (NM_001278074.1); short protein forms P654R.
Identifiers: ClinVar variation 4778342 (VCV004778342.1).
Genomic context (GRCh38, chr9:134,761,950, plus strand): 5'-CAGGAGAGGCTGACGTTGACCCTTTCACTTCCTAGGGTGACCCTGGTCCTTCCGGCCCAC[C>G]AGGACCTCCGGGAGACGATGGAGAAAGGGTAGGTATTCTGCCGTCCCTCCGACTGCTCCT-3'
Protein context (NP_000084.3, residues 644-664): HRGDPGPSGP[Pro654Arg]GPPGDDGERG